The following is an entry in ClinVar:

NM_004863.4(SPTLC2):c.238G>A (p.Val80Ile)

Gene: SPTLC2 (serine palmitoyltransferase long chain base subunit 2; minus strand). Cytogenetic location: 14q24.3.
Variant type: single nucleotide variant.
Coding change: c.238G>A on transcript NM_004863.4 (MANE Select); coding-DNA position 238, G replaced by A.
Protein change: p.Val80Ile; replaces valine 80 with isoleucine.
Molecular consequence: missense variant.
Genome position (GRCh38, 1-based): chr14:77,597,275, C>T on the plus strand (G>A on the coding strand, the complement: SPTLC2 is on the minus strand). VCF-style: chr14-77597275-C-T. GRCh37 (hg19) VCF-style: chr14-78063618-C-T.
Other names: short protein forms V80I.
Identifiers: ClinVar variation 840637 (VCV000840637.11), dbSNP rs776997699, ClinGen allele CA7289487.
Genomic context (GRCh38, chr14:77,597,275, plus strand): 5'-GACACTTTTCAATTCTCCAATACCTCAAGAAATCTCGAAGATATCCAAAGAGGGTGAGTA[C>T]GCCATACCCCACATACGTGAGCACAGCAACCAGCATTGGTGTTTCTTCAAAAGCTTCATT-3'
Protein context (NP_004854.1, residues 70-90): VAVLTYVGYG[Val80Ile]LTLFGYLRDF

ClinVar aggregate classification (germline): Uncertain significance. Review status: criteria provided, multiple submitters, no conflicts (2 of 4 stars). 2 submissions from 2 submitters: Uncertain significance (2). Last evaluated 2025-11-17.

Conditions:
Inborn genetic diseases. Identifiers: MedGen C0950123, MeSH D030342.
Neuropathy, hereditary sensory and autonomic, type 1C. Also called: HSAN IC; HSN IC. Identifiers: Orphanet 36386, MedGen C3150896, MONDO:0013337, OMIM 613640.

Allele frequency attached by ClinVar (database versions not stated): ExAC 0.00003; gnomAD 0.00004; TOPMed 0.00005.

Submissions (2):

Labcorp Genetics (formerly Invitae), Labcorp
Classification: Uncertain significance for Neuropathy, hereditary sensory and autonomic, type 1C. Last evaluated: 2025-11-17. Review status: criteria provided, single submitter. Criteria: Invitae Variant Classification Sherloc (09022015). Collection method: clinical testing. Allele origin: germline.
Comment: This sequence change replaces valine, which is neutral and non-polar, with isoleucine, which is neutral and non-polar, at codon 80 of the SPTLC2 protein (p.Val80Ile). This variant is present in population databases (rs776997699, gnomAD 0.005%). This variant has not been reported in the literature in individuals affected with SPTLC2-related conditions. ClinVar contains an entry for this variant (Variation ID: 840637). Invitae Evidence Modeling of protein sequence and biophysical properties (such as structural, functional, and spatial information, amino acid conservation, physicochemical variation, residue mobility, and thermodynamic stability) indicates that this missense variant is not expected to disrupt SPTLC2 protein function with a negative predictive value of 95%. In summary, the available evidence is currently insufficient to determine the role of this variant in disease. Therefore, it has been classified as a Variant of Uncertain Significance.

Ambry Genetics
Classification: Uncertain significance for Inborn genetic diseases. Last evaluated: 2021-02-17. Review status: criteria provided, single submitter. Criteria: Ambry Variant Classification Scheme 2023. Collection method: clinical testing. Allele origin: germline.
Comment: The p.V80I variant (also known as c.238G>A), located in coding exon 2 of the SPTLC2 gene, results from a G to A substitution at nucleotide position 238. The valine at codon 80 is replaced by isoleucine, an amino acid with highly similar properties. This amino acid position is not well conserved in available vertebrate species, and isoleucine is the reference amino acid in other vertebrate species. In addition, this alteration is predicted to be tolerated by in silico analysis. Since supporting evidence is limited at this time, the clinical significance of this alteration remains unclear.